The following is an entry in ClinVar:

NM_005732.4(RAD50):c.3689T>G (p.Leu1230Trp)

Genes: TH2LCRR (T helper type 2 locus control region associated RNA; minus strand), TH2-LCR (Th2 cytokine locus control region; plus strand), RAD50 (RAD50 double strand break repair protein; plus strand). Cytogenetic location: 5q31.1.
Variant type: single nucleotide variant.
Coding change: c.3689T>G on transcript NM_005732.4 (MANE Select); coding-DNA position 3689, T replaced by G.
Protein change: p.Leu1230Trp; replaces leucine 1230 with tryptophan.
Molecular consequence: missense variant.
Genome position (GRCh38, 1-based): chr5:132,640,742, T>G. VCF-style: chr5-132640742-T-G. GRCh37 (hg19) VCF-style: chr5-131976434-T-G.
Other names: short protein forms L1230W.
Identifiers: ClinVar variation 230218 (VCV000230218.15), dbSNP rs876658450, ClinGen allele CA10578613.

ClinVar aggregate classification (germline): Uncertain significance. Review status: criteria provided, multiple submitters, no conflicts (2 of 4 stars). 2 submissions from 2 submitters: Uncertain significance (2). Last evaluated 2025-05-19.

Conditions:
Hereditary cancer-predisposing syndrome. Also called: Hereditary neoplastic syndrome; Hereditary Cancer Syndrome; Neoplastic Syndromes, Hereditary; Tumor predisposition. Identifiers: Orphanet 140162, MedGen C0027672, MeSH D009386, MONDO:0015356.

Allele frequency attached by ClinVar (database versions not stated): gnomAD 0.00001; gnomAD exomes 0.00001; TOPMed 0.00001.
gnomAD v4.1: 21 of 1,614,136 alleles (0.0013%); highest among the groups gnomAD compares: Non-Finnish European, 0.0017%; no homozygotes.

Submissions (2):

Labcorp Genetics (formerly Invitae), Labcorp
Classification: Uncertain significance for Hereditary cancer-predisposing syndrome. Last evaluated: 2025-05-19. Review status: criteria provided, single submitter. Criteria: Invitae Variant Classification Sherloc (09022015). Collection method: clinical testing. Allele origin: germline.
Comment: This sequence change replaces leucine, which is neutral and non-polar, with tryptophan, which is neutral and slightly polar, at codon 1230 of the RAD50 protein (p.Leu1230Trp). This variant is not present in population databases (gnomAD no frequency). This variant has not been reported in the literature in individuals affected with RAD50-related conditions. ClinVar contains an entry for this variant (Variation ID: 230218). Invitae Evidence Modeling of protein sequence and biophysical properties (such as structural, functional, and spatial information, amino acid conservation, physicochemical variation, residue mobility, and thermodynamic stability) indicates that this missense variant is expected to disrupt RAD50 protein function with a positive predictive value of 80%. In summary, the available evidence is currently insufficient to determine the role of this variant in disease. Therefore, it has been classified as a Variant of Uncertain Significance.

Ambry Genetics
Classification: Uncertain significance for Hereditary cancer-predisposing syndrome. Last evaluated: 2024-06-05. Review status: criteria provided, single submitter. Criteria: Ambry Variant Classification Scheme 2023. Collection method: clinical testing. Allele origin: germline.
Comment: The p.L1230W variant (also known as c.3689T>G), located in coding exon 24 of the RAD50 gene, results from a T to G substitution at nucleotide position 3689. The leucine at codon 1230 is replaced by tryptophan, an amino acid with similar properties. This amino acid position is highly conserved in available vertebrate species. In addition, this alteration is predicted to be deleterious by in silico analysis. Since supporting evidence is limited at this time, the clinical significance of this alteration remains unclear.